The following is an entry in ClinVar:

NM_000152.5(GAA):c.768dup (p.Ile257fs)

Gene: GAA (alpha glucosidase; plus strand). Cytogenetic location: 17q25.3.
Variant type: Duplication.
Coding change: c.768dup on transcript NM_000152.5 (MANE Select); coding-DNA position 768, one base duplicated (T; older notation c.768dupT).
Protein change: p.Ile257fs; shifts the reading frame from isoleucine 257.
Molecular consequence: frameshift variant.
Genome position (GRCh38, 1-based): chr17:80,107,632, T duplicated. VCF-style (leftmost placement, unchanged base first): chr17-80107631-A-AT. GRCh37 (hg19) VCF-style: chr17-78081430-A-AT.
Other names: c.768dupT (NM_000152.3); c.768dup (LRG_673t1); c.768dup, p.Ile257fs (NM_001079803.3, NM_001079804.3); short protein forms I257fs.
Identifiers: ClinVar variation 556534 (VCV000556534.11), dbSNP rs1555599644, ClinGen allele CA502402648.

ClinVar aggregate classification (germline): Likely pathogenic. Review status: reviewed by expert panel (3 of 4 stars). 4 submissions from 4 submitters: Likely pathogenic (1). 3 of the submissions do not count toward it. Last evaluated 2026-07-06.

Conditions:
Glycogen storage disease, type II (IOPD). Also called: POMPE DISEASE, INFANTILE-ONSET; GLYCOGEN STORAGE DISEASE II, INFANTILE-ONSET; ACID ALPHA-GLUCOSIDASE DEFICIENCY, INFANTILE-ONSET; GAA DEFICIENCY, INFANTILE-ONSET; ACID MALTASE DEFICIENCY, INFANTILE-ONSET; CARDIOMEGALIA GLYCOGENICA DIFFUSA. Identifiers: Orphanet 365, MedGen C0017921, MONDO:0009290, OMIM 232300.

Submissions (4):

ClinGen Lysosomal Storage Disorder Variant Curation Expert Panel
Classification: Likely pathogenic for Glycogen storage disease, type II. Last evaluated: 2026-07-06. Review status: reviewed by expert panel. Criteria: clingen_lsd_acmg_specifications_v2-1. Collection method: curation. Allele origin: germline. Inheritance: Autosomal recessive inheritance.
Comment: The NM_000152.5:c.768dup (p.Ile257TyrfsTer73) variant in GAA is a frameshift variant predicted to cause a premature stop codon, leading to nonsense mediated decay in exon 6 out of a total of 20 exons, in a gene in which loss-of-function is an established disease mechanism (PVS1). This variant is not in gnomAD v4.1.0. (PM2_Supporting). The variant has been reported in a patient with Pompe disease but further details regarding the second variant and residual GAA activity are unavailable (PMID: 18425781). There is a ClinVar entry for this variant (Variation ID: 556534). The classification of this variant has been upgraded from Variant of Uncertain Significance to Likely Pathogenic based on the recommendations of the ClinGen Sequence Variant Interpretation Working Group, that a variant meeting PVS1 and PM2_Supporting is classified as Likely Pathogenic. In summary, this variant meets the criteria to be classified as Likely Pathogenic for Pompe disease. GAA-specific ACMG/AMP criteria met, based on the specifications of the ClinGen Lysosomal Diseases VCEP (Specifications Version 2.0): PVS1, PM2_Supporting. (Classification approved by the ClinGen Lysosomal Diseases VCEP, July 6, 2026).

Genomenon, Inc
Classification: Likely pathogenic for Glycogen storage disease, type II. Last evaluated: 2026-07-01. Review status: criteria provided, single submitter. Criteria: Genomenon Sequence Variant Interpretation Standards - Updated. Collection method: curation. Allele origin: germline. Affected: no. Not counted in ClinVar's aggregate classification.
Comment: GAA p.Ile257TyrfsTer73 (c.768dup) is a frameshift variant that is predicted to introduce a premature termination codon and result in a truncated or absent protein product. This variant has been reported in the published literature (PMID:18425781). It is absent or not present at a significant frequency in gnomAD. In conclusion, we classify GAA p.Ile257TyrfsTer73 (c.768dup) as a likely pathogenic variant.

Labcorp Genetics (formerly Invitae), Labcorp
Classification: Pathogenic for Glycogen storage disease, type II. Last evaluated: 2023-02-25. Review status: criteria provided, single submitter. Criteria: Invitae Variant Classification Sherloc (09022015). Collection method: clinical testing. Allele origin: germline. Not counted in ClinVar's aggregate classification.
Comment: For these reasons, this variant has been classified as Pathogenic. ClinVar contains an entry for this variant (Variation ID: 556534). This premature translational stop signal has been observed in individual(s) with Pompe disease (PMID: 18425781). This variant is not present in population databases (gnomAD no frequency). This sequence change creates a premature translational stop signal (p.Ile257Tyrfs*73) in the GAA gene. It is expected to result in an absent or disrupted protein product. Loss-of-function variants in GAA are known to be pathogenic (PMID: 18425781, 22252923).

Counsyl
Classification: Likely pathogenic for Glycogen storage disease, type II. Last evaluated: 2018-02-06. Review status: no assertion criteria provided. Collection method: clinical testing. Allele origin: unknown. Not counted in ClinVar's aggregate classification.

Literature cited by the submitters: PubMed 18425781 (cited by 3 submitters); PubMed 22252923 (cited by Labcorp Genetics (formerly Invitae), Labcorp).